The following is an entry in ClinVar:

ClinVar aggregate classification (germline): Pathogenic (1 of 4 stars; one submission).

Conditions:
Familial thoracic aortic aneurysm and aortic dissection (TAAD). Also called: Thoracic aortic aneurysms and dissections. Identifiers: Orphanet 91387, MedGen C4707243, MONDO:0019625.
Marfan syndrome (MFS). Also called: FBN1-Related Marfan Syndrome; Marfan syndrome type 1; Marfan's syndrome; Marfan syndrome, classic; MARFAN SYNDROME, TYPE I. Identifiers: Orphanet 284963, Orphanet 558, MedGen C0024796, MONDO:0007947, OMIM 154700.

Submission:

Labcorp Genetics (formerly Invitae), Labcorp
Classification: Pathogenic for Marfan syndrome; Familial thoracic aortic aneurysm and aortic dissection. Last evaluated: 2018-10-02. Review status: criteria provided, single submitter. Criteria: Invitae Variant Classification Sherloc (09022015). Collection method: clinical testing. Allele origin: germline.
Comment: This variant is an out-of-frame deletion of the genomic region encompassing exons 3-6 of the FBN1 gene. This is expected to create a premature translational stop signal and result in an absent or disrupted protein product. This variant has not been reported in the literature in individuals with FBN1-related disease. Loss-of-function variants in FBN1 are known to be pathogenic (PMID: 17657824, 19293843). For these reasons, this variant has been classified as Pathogenic.

NC_000015.10:g.(?_48596273)_(48613102_?)del

Gene: FBN1 (fibrillin 1; minus strand). Cytogenetic location: 15q21.1.
Variant type: Deletion.
Identifiers: ClinVar variation 662847 (VCV000662847.1).